The following is an entry in ClinVar:

NM_016239.4(MYO15A):c.8767C>T (p.Arg2923Ter)

Gene: MYO15A (myosin XVA; plus strand). Cytogenetic location: 17p11.2.
Variant type: single nucleotide variant.
Coding change: c.8767C>T on transcript NM_016239.4 (MANE Select); coding-DNA position 8767, C replaced by T.
Protein change: p.Arg2923Ter; replaces arginine 2923 with a stop codon.
Molecular consequence: nonsense.
Genome position (GRCh38, 1-based): chr17:18,157,209, C>T. VCF-style: chr17-18157209-C-T. GRCh37 (hg19) VCF-style: chr17-18060523-C-T.
Other names: short protein forms R2923*.
Identifiers: ClinVar variation 45771 (VCV000045771.14), dbSNP rs373462792, ClinGen allele CA261771.

ClinVar aggregate classification (germline): Conflicting classifications of pathogenicity. Review status: criteria provided, conflicting classifications (1 of 4 stars). 6 submissions from 6 submitters: Pathogenic (3); Likely pathogenic (1); Uncertain significance (1). 1 of the submissions does not count toward it. Last evaluated 2026-02-27.

Conditions:
Rare genetic deafness. Identifiers: Orphanet 96210, MedGen C5680250.
Congenital portosystemic shunt. Identifiers: Orphanet 480531, MedGen C1290495, MONDO:0018811.
Autosomal recessive nonsyndromic hearing loss 3. Also called: NEUROSENSORY NONSYNDROMIC RECESSIVE DEAFNESS 3. Identifiers: Orphanet 90636, MedGen C1838263, MONDO:0010860, OMIM 600316.

Allele frequency attached by ClinVar (database versions not stated): ExAC 0.00001; gnomAD 0.00004 and 0.00005; TOPMed 0.00005; ESP Exome Variant Server 0.00008.
gnomAD v4.1: 18 of 1,608,168 alleles (0.0011%); highest among the groups gnomAD compares: African/African-American, 0.008%; no homozygotes.

Submissions (6):

Department of Pediatrics, Graduate School of Medical Sciences, Kyushu University
Classification: Uncertain significance for Congenital portosystemic shunt. Last evaluated: 2026-02-27. Review status: criteria provided, single submitter. Criteria: ACMG Guidelines, 2015. Collection method: research. Allele origin: germline. Affected: yes.
Comment: The variant is rare in population databases. Although loss-of-function variants in this gene have been reported in other disorders, an association between this gene and CPSS has not been established. Therefore, the clinical significance of this variant in relation to CPSS is currently classified as a variant of uncertain significance (VUS).

Labcorp Genetics (formerly Invitae), Labcorp
Classification: Pathogenic. Last evaluated: 2023-06-02. Review status: criteria provided, single submitter. Criteria: Invitae Variant Classification Sherloc (09022015). Collection method: clinical testing. Allele origin: germline.
Comment: For these reasons, this variant has been classified as Pathogenic. Algorithms developed to predict the effect of sequence changes on RNA splicing suggest that this variant may disrupt the consensus splice site. ClinVar contains an entry for this variant (Variation ID: 45771). This premature translational stop signal has been observed in individual(s) with deafness (PMID: 23767834). This sequence change creates a premature translational stop signal (p.Arg2923*) in the MYO15A gene. It is expected to result in an absent or disrupted protein product. Loss-of-function variants in MYO15A are known to be pathogenic (PMID: 17546645). The frequency data for this variant in the population databases is considered unreliable, as metrics indicate poor data quality at this position in the gnomAD database.

GeneDx
Classification: Pathogenic. Last evaluated: 2023-02-02. Review status: criteria provided, single submitter. Criteria: GeneDx Variant Classification Process June 2021. Collection method: clinical testing. Allele origin: germline. Affected: yes.
Comment: Nonsense variant predicted to result in protein truncation or nonsense mediated decay in a gene for which loss-of-function is a known mechanism of disease; Not observed at significant frequency in large population cohorts (gnomAD); This variant is associated with the following publications: (PMID: 27375115, 30068307, 26242193, 26186295, 30579095, 32747562, 35440622, 23767834, 24949729)

Genetics and Genomic Medicine Centre, NeuroGen Healthcare, NeuroGen Healthcare
Classification: Likely pathogenic for Autosomal recessive nonsyndromic hearing loss 3. Last evaluated: 2020-12-14. Review status: criteria provided, single submitter. Criteria: Submitter's publication. Collection method: clinical testing. Allele origin: unknown. Affected: no.

Laboratory for Molecular Medicine, Mass General Brigham Personalized Medicine
Classification: Pathogenic for Rare genetic deafness. Last evaluated: 2015-02-04. Review status: criteria provided, single submitter. Criteria: LMM Criteria. Collection method: clinical testing. Allele origin: germline. Inheritance: Autosomal recessive inheritance. Observed: 2 variant alleles.
Comment: The p.Arg2923X variant in MYO15A has been reported in three individuals with hea ring loss who were compound heterozygous or homozygous (Shafique 2014, Yang 2013 , LMM unpublished data). This variant has been identified in 1/5372 of East Asia n chromosomes by the Exome Aggregation Consortium (ExAC; dbSNP rs373462792). Although this variant has been seen in the general population, its frequency is low enough to be consistent with a recessive carri er frequency. This nonsense variant leads to a premature termination codon at po sition 2923, which is predicted to lead to a truncated or absent protein. Hetero zygous loss of function of the MYO15A gene is an established disease mechanism i n autosomal recessive nonsyndromic hearing loss. In summary, this variant meets our criteria to be classified as pathogenic (ne/lmm).

Genomic Medicine Center of Excellence, King Faisal Specialist Hospital and Research Centre
Classification: Uncertain significance for Autosomal recessive nonsyndromic hearing loss 3. Last evaluated: 2024-03-25. Review status: flagged submission. Criteria: ACMG Guidelines, 2015. Collection method: research. Allele origin: germline. Not counted in ClinVar's aggregate classification.
ClinVar note: Reason: Outlier claim with insufficient supporting evidence

Literature cited by the submitters: PubMed 23767834 (cited by Labcorp Genetics (formerly Invitae), Labcorp and Laboratory for Molecular Medicine, Mass General Brigham Personalized Medicine); PubMed 17546645 (cited by Labcorp Genetics (formerly Invitae), Labcorp); PubMed 24949729 (cited by Laboratory for Molecular Medicine, Mass General Brigham Personalized Medicine).